The following is an entry in ClinVar:

ClinVar aggregate classification (germline): Uncertain significance (1 of 4 stars; one submission).

Conditions:
Intellectual developmental disorder, X-linked 96. Also called: Intellectual disability, X-linked 96. Identifiers: Orphanet 777, MedGen C3275408, MONDO:0010429, OMIM 300802.

Submission:

MGZ Medical Genetics Center
Classification: Uncertain significance for Intellectual developmental disorder, X-linked 96. Last evaluated: 2022-07-20. Review status: criteria provided, single submitter. Criteria: ACMG Guidelines, 2015. Collection method: clinical testing. Allele origin: germline. Affected: yes. Observed: 2 variant alleles.
Comment: ACMG criteria applied: PVS1_MOD, PS2_SUP, PM2_SUP

NM_003179.3(SYP):c.786C>G (p.Tyr262Ter)

Gene: SYP (synaptophysin; minus strand). Cytogenetic location: Xp11.23.
Variant type: single nucleotide variant.
Coding change: c.786C>G on transcript NM_003179.3 (MANE Select); coding-DNA position 786, C replaced by G.
Protein change: p.Tyr262Ter; replaces tyrosine 262 with a stop codon.
Molecular consequence: nonsense.
Genome position (GRCh38, 1-based): chrX:49,191,593, G>C on the plus strand (C>G on the coding strand, the complement: SYP is on the minus strand). VCF-style: chrX-49191593-G-C. GRCh37 (hg19) VCF-style: chrX-49048050-G-C.
Other names: short protein forms Y262*.
Identifiers: ClinVar variation 1709598 (VCV001709598.2), dbSNP rs888529856, ClinGen allele CA412951953.